The following is an entry in ClinVar:

NM_205836.3(FBXO38):c.1359C>T (p.Pro453=)

Gene: FBXO38 (F-box protein 38; plus strand). Cytogenetic location: 5q32.
Variant type: single nucleotide variant.
Coding change: c.1359C>T on transcript NM_205836.3 (MANE Select); coding-DNA position 1359, C replaced by T.
Protein change: p.Pro453=; no amino-acid change (proline 453 retained).
Molecular consequence: synonymous variant.
Genome position (GRCh38, 1-based): chr5:148,416,022, C>T. VCF-style: chr5-148416022-C-T. GRCh37 (hg19) VCF-style: chr5-147795585-C-T.
Other names: c.1359C>T, p.Pro453= (NM_001271723.2, NM_030793.5).
Identifiers: ClinVar variation 2162038 (VCV002162038.6), dbSNP rs556404221, ClinGen allele CA3497259.
Genomic context (GRCh38, chr5:148,416,022, plus strand): 5'-CCTAGTACGGTGCCATGCTTTGAAGCTGGACTCTTTTGGCCAGTTTATTGAATTATTACC[C>T]AGCCTAGAGTTTATTTCACTGGATCAGATGTTTCGTGAACCACCCAAGGTAAGATACATT-3'
Protein context (NP_995308.1, residues 443-463): DSFGQFIELL[Pro453=]SLEFISLDQM

ClinVar aggregate classification (germline): Likely benign. Review status: criteria provided, single submitter (1 of 4 stars). 2 submissions from 2 submitters: Likely benign (1). 1 of the submissions does not count toward it. Last evaluated 2022-09-12.

Conditions:
FBXO38-related disorder. Also called: FBXO38-related condition.
Distal hereditary motor neuropathy type 2. Identifiers: Orphanet 139525, MedGen C3711384, MeSH C580044, MONDO:0015352.

Allele frequency attached by ClinVar (database versions not stated): gnomAD exomes 0.00001; TOPMed 0.00001; gnomAD 0.00003; ExAC 0.00004; 1000 Genomes Project 30x 0.00016; 1000 Genomes Project 0.00020.
gnomAD v4.1: 21 of 1,612,856 alleles (0.0013%); highest among the groups gnomAD compares: South Asian, 0.018%; no homozygotes.

Submissions (2):

Labcorp Genetics (formerly Invitae), Labcorp
Classification: Likely benign for Distal hereditary motor neuropathy type 2. Last evaluated: 2022-09-12. Review status: criteria provided, single submitter. Criteria: Invitae Variant Classification Sherloc (09022015). Collection method: clinical testing. Allele origin: germline.

PreventionGenetics, part of Exact Sciences
Classification: Likely benign for FBXO38-related condition. Last evaluated: 2019-04-04. Review status: no assertion criteria provided. Collection method: clinical testing. Allele origin: germline. Not counted in ClinVar's aggregate classification.
Comment: This variant is classified as likely benign based on ACMG/AMP sequence variant interpretation guidelines (Richards et al. 2015 PMID: 25741868, with internal and published modifications).